The following is an entry in ClinVar:

Conditions:
Arteriohepatic dysplasia. Also called: Alagille Syndrome. Identifiers: Orphanet 52, MedGen C0085280, MeSH D016738, MONDO:0007318.

Submission:

Gilbert/Spinner Lab, Children's Hospital of Philadelphia
No classification provided (evidence only). Condition: Alagille syndrome. Review status: no classification provided. Collection method: research. Allele origin: not applicable. Functional consequence: functionally_abnormal.
ClinVar note: "not provided" was previously submitted as the classification for the variant. However, the classification appeared to be based only on an observation of functional data so it was converted to no classification on 2025-07-30.

NM_000214.3(JAG1):c.138C>G (p.Asn46Lys)

Gene: JAG1 (jagged canonical Notch ligand 1; minus strand). Cytogenetic location: 20p12.2.
Variant type: single nucleotide variant.
Coding change: c.138C>G on transcript NM_000214.3 (MANE Select); coding-DNA position 138, C replaced by G.
Protein change: p.Asn46Lys; replaces asparagine 46 with lysine.
Molecular consequence: missense variant.
Genome position (GRCh38, 1-based): chr20:10,672,950, G>C on the plus strand (C>G on the coding strand, the complement: JAG1 is on the minus strand). VCF-style: chr20-10672950-G-C. GRCh37 (hg19) VCF-style: chr20-10653598-G-C.
Other names: short protein forms N46K.
Identifiers: ClinVar variation 3573246 (VCV003573246.2).